The following is an entry in ClinVar:

ClinVar aggregate classification (germline): Uncertain significance. Review status: criteria provided, multiple submitters, no conflicts (2 of 4 stars). 2 submissions from 2 submitters: Uncertain significance (2). Last evaluated 2024-08-13.

Conditions:
Hereditary cancer-predisposing syndrome. Also called: Tumor predisposition; Hereditary neoplastic syndrome; Neoplastic Syndromes, Hereditary; Hereditary Cancer Syndrome. Identifiers: Orphanet 140162, MedGen C0027672, MeSH D009386, MONDO:0015356.

Allele frequency attached by ClinVar (database versions not stated): gnomAD exomes below 0.00001.
gnomAD v4.1: 1 of 1,598,032 alleles (0.000063%); highest among the groups gnomAD compares: African/African-American, 0.0013%; no homozygotes.

Submissions (2):

Labcorp Genetics (formerly Invitae), Labcorp
Classification: Uncertain significance. Last evaluated: 2024-08-13. Review status: criteria provided, single submitter. Criteria: Invitae Variant Classification Sherloc (09022015). Collection method: clinical testing. Allele origin: germline.
Comment: This sequence change replaces alanine, which is neutral and non-polar, with serine, which is neutral and polar, at codon 385 of the CTNNA1 protein (p.Ala385Ser). This variant is present in population databases (no rsID available, gnomAD 0.007%). This variant has not been reported in the literature in individuals affected with CTNNA1-related conditions. ClinVar contains an entry for this variant (Variation ID: 950554). Advanced modeling of protein sequence and biophysical properties (such as structural, functional, and spatial information, amino acid conservation, physicochemical variation, residue mobility, and thermodynamic stability) has been performed at Invitae for this missense variant, however the output from this modeling did not meet the statistical confidence thresholds required to predict the impact of this variant on CTNNA1 protein function. Algorithms developed to predict the effect of sequence changes on RNA splicing suggest that this variant may create or strengthen a splice site. In summary, the available evidence is currently insufficient to determine the role of this variant in disease. Therefore, it has been classified as a Variant of Uncertain Significance.

Ambry Genetics
Classification: Uncertain significance for Hereditary cancer-predisposing syndrome. Last evaluated: 2024-07-11. Review status: criteria provided, single submitter. Criteria: Ambry Variant Classification Scheme 2023. Collection method: clinical testing. Allele origin: germline.
Comment: The p.A385S variant (also known as c.1153G>T), located in coding exon 8 of the CTNNA1 gene, results from a G to T substitution at nucleotide position 1153. The alanine at codon 385 is replaced by serine, an amino acid with similar properties. In one study, this alteration was identified in 1/151,425 individuals who underwent multi-gene germline genetic testing and classified as a variant of uncertain significance by the authors (Clark DF et al. Genet Med, 2020 05;22:840-846). This amino acid position is highly conserved in available vertebrate species. In addition, the in silico prediction for this alteration is inconclusive. The evidence for this gene-disease relationship is limited; therefore, the clinical significance of this alteration is unclear.

Literature cited by the submitters: PubMed 32051609 (cited by Ambry Genetics).

NM_001903.5(CTNNA1):c.1153G>T (p.Ala385Ser)

Gene: CTNNA1 (catenin alpha 1; plus strand). Cytogenetic location: 5q31.2.
Variant type: single nucleotide variant.
Coding change: c.1153G>T on transcript NM_001903.5 (MANE Select); coding-DNA position 1153, G replaced by T.
Protein change: p.Ala385Ser; replaces alanine 385 with serine.
Molecular consequence: missense variant. On other transcripts: 5 prime UTR variant (5), intron variant (2).
Genome position (GRCh38, 1-based): chr5:138,887,499, G>T. VCF-style: chr5-138887499-G-T. GRCh37 (hg19) VCF-style: chr5-138223188-G-T.
Other names: c.1153G>T, p.Ala385Ser (NM_001290307.3, NM_001323982.2, NM_001323983.1 and 3 more transcripts); c.844G>T, p.Ala282Ser (NM_001290309.3); c.784G>T, p.Ala262Ser (NM_001290310.3); c.43G>T, p.Ala15Ser (NM_001290312.1, NM_001323987.1, NM_001323988.1 and 18 more transcripts); c.-355G>T (NM_001324006.1, NM_001324007.1, NM_001324008.1 and 1 more transcripts); c.-230G>T (NM_001324013.1); c.-58+11902G>T (NM_001324012.1); c.-61+11902G>T (NM_001324010.1); short protein forms A15S, A385S, A282S, A262S.
Identifiers: ClinVar variation 950554 (VCV000950554.13), dbSNP rs1163870840, ClinGen allele CA361132920.